The following is an entry in ClinVar:

ClinVar aggregate classification (germline): Uncertain significance (1 of 4 stars; one submission).

Conditions:
Bethlem myopathy 1A. Also called: MYOPATHY, BENIGN CONGENITAL, WITH CONTRACTURES; Bethlem myopathy 1; Bethlem Muscular Dystrophy. Identifiers: Orphanet 610, MedGen CN029274, MONDO:0024530, OMIM 158810.

Submission:

Labcorp Genetics (formerly Invitae), Labcorp
Classification: Uncertain significance for Bethlem myopathy 1A. Last evaluated: 2026-01-18. Review status: criteria provided, single submitter. Criteria: Invitae Variant Classification Sherloc (09022015). Collection method: clinical testing. Allele origin: germline.
Comment: This sequence change falls in intron 29 of the COL6A3 gene. It does not directly change the encoded amino acid sequence of the COL6A3 protein. This variant is not present in population databases (gnomAD no frequency). This variant has not been reported in the literature in individuals affected with COL6A3-related conditions. Algorithms developed to predict the effect of sequence changes on RNA splicing suggest that this variant may create or strengthen a splice site. In summary, the available evidence is currently insufficient to determine the role of this variant in disease. Therefore, it has been classified as a Variant of Uncertain Significance.

NM_004369.4(COL6A3):c.6930+12C>G

Gene: COL6A3 (collagen type VI alpha 3 chain; minus strand). Cytogenetic location: 2q37.3.
Variant type: single nucleotide variant.
Coding change: c.6930+12C>G on transcript NM_004369.4 (MANE Select); 12 bases into the intron after coding-DNA position 6930, C replaced by G.
Molecular consequence: intron variant.
Genome position (GRCh38, 1-based): chr2:237,348,601, G>C on the plus strand (C>G on the coding strand, the complement: COL6A3 is on the minus strand). VCF-style: chr2-237348601-G-C. GRCh37 (hg19) VCF-style: chr2-238257244-G-C.
Other names: c.5109+12C>G (NM_057166.5); c.6312+12C>G (NM_057167.4).
Identifiers: ClinVar variation 4735267 (VCV004735267.1).